The following is an entry in ClinVar:

NM_000289.6(PFKM):c.74del (p.Gly25fs)

Gene: PFKM (phosphofructokinase, muscle; plus strand). Cytogenetic location: 12q13.11.
Variant type: Deletion.
Coding change: c.74del on transcript NM_000289.6 (MANE Select); coding-DNA position 74, one base deleted (G; older notation c.74delG).
Protein change: p.Gly25fs; shifts the reading frame from glycine 25.
Molecular consequence: frameshift variant. On other transcripts: 5 prime UTR variant (3), non-coding transcript variant (6).
Genome position (GRCh38, 1-based): chr12:48,122,848, G deleted; the last of 2 consecutive G bases (chr12:48,122,847-48,122,848); deleting either gives the same sequence. VCF-style (leftmost placement, unchanged base first): chr12-48122846-TG-T. GRCh37 (hg19) VCF-style: chr12-48516629-TG-T.
Other names: c.287del, p.Gly96fs (NM_001166686.2, NM_001354737.1, NM_001354738.1 and 1 more transcripts); c.74del, p.Gly25fs (NM_001166687.2, NM_001166688.2, NM_001354742.2 and 4 more transcripts); c.383del, p.Gly128fs (NM_001354735.1, NM_001354736.1); c.218del, p.Gly73fs (NM_001354740.1); c.98del, p.Gly33fs (NM_001354741.2); c.-252del (NM_001354745.2); c.-3del (NM_001354747.2, NM_001354748.2); short protein forms G128fs, G25fs, G96fs, G33fs, G73fs.
Identifiers: ClinVar variation 1398900 (VCV001398900.6), dbSNP rs2137862074, ClinGen allele CA2573148736.

ClinVar aggregate classification (germline): Pathogenic (1 of 4 stars; one submission).

Conditions:
Glycogen storage disease, type VII (GSD7). Also called: TARUI DISEASE; GSD VII; MUSCLE PHOSPHOFRUCTOKINASE DEFICIENCY; PFKM DEFICIENCY. Identifiers: Orphanet 371, MedGen C0017926, MONDO:0009295, OMIM 232800.

Submission:

Labcorp Genetics (formerly Invitae), Labcorp
Classification: Pathogenic for Glycogen storage disease, type VII. Last evaluated: 2021-03-24. Review status: criteria provided, single submitter. Criteria: Invitae Variant Classification Sherloc (09022015). Collection method: clinical testing. Allele origin: germline.
Comment: This sequence change creates a premature translational stop signal (p.Gly25Glufs*6) in the PFKM gene. It is expected to result in an absent or disrupted protein product. Loss-of-function variants in PFKM are known to be pathogenic (PMID: 7825568, 8037209). This variant is not present in population databases (ExAC no frequency). This variant has not been reported in the literature in individuals with PFKM-related conditions. For these reasons, this variant has been classified as Pathogenic.

Literature cited by the submitters: PubMed 7825568; PubMed 8037209.